The following is an entry in ClinVar:

NM_173689.7(CRB2):c.1959C>T (p.Gly653=)

Gene: CRB2 (crumbs cell polarity complex component 2; plus strand). Cytogenetic location: 9q33.3.
Variant type: single nucleotide variant.
Coding change: c.1959C>T on transcript NM_173689.7 (MANE Select); coding-DNA position 1959, C replaced by T.
Protein change: p.Gly653=; no amino-acid change (glycine 653 retained).
Molecular consequence: synonymous variant. On other transcripts: non-coding transcript variant (1).
Genome position (GRCh38, 1-based): chr9:123,371,101, C>T. VCF-style: chr9-123371101-C-T. GRCh37 (hg19) VCF-style: chr9-126133380-C-T.
Identifiers: ClinVar variation 3043614 (VCV003043614.2), dbSNP rs189292572, ClinGen allele CA5232102.

ClinVar aggregate classification (germline): Likely benign (0 of 4 stars; one submission).

Conditions:
CRB2-related disorder. Also called: CRB2-related disorders; CRB2-related condition.

Allele frequency attached by ClinVar (database versions not stated): ExAC 0.00007; TOPMed 0.00008; gnomAD 0.00010; 1000 Genomes Project 0.00040; 1000 Genomes Project 30x 0.00047.
gnomAD v4.1: 50 of 1,612,988 alleles (0.0031%); highest among the groups gnomAD compares: East Asian, 0.056%; no homozygotes.

Submission:

PreventionGenetics, part of Exact Sciences
Classification: Likely benign for CRB2-related condition. Last evaluated: 2019-05-30. Review status: no assertion criteria provided. Collection method: clinical testing. Allele origin: germline.
Comment: This variant is classified as likely benign based on ACMG/AMP sequence variant interpretation guidelines (Richards et al. 2015 PMID: 25741868, with internal and published modifications).